The following is an entry in ClinVar:

ClinVar aggregate classification (germline): Uncertain significance (1 of 4 stars; one submission).

Submission:

Labcorp Genetics (formerly Invitae), Labcorp
Classification: Uncertain significance. Last evaluated: 2023-09-30. Review status: criteria provided, single submitter. Criteria: Invitae Variant Classification Sherloc (09022015). Collection method: clinical testing. Allele origin: germline.
Comment: This sequence change replaces serine, which is neutral and polar, with threonine, which is neutral and polar, at codon 408 of the C1S protein (p.Ser408Thr). This variant is not present in population databases (gnomAD no frequency). This variant has not been reported in the literature in individuals affected with C1S-related conditions. Advanced modeling of protein sequence and biophysical properties (such as structural, functional, and spatial information, amino acid conservation, physicochemical variation, residue mobility, and thermodynamic stability) performed at Invitae indicates that this missense variant is not expected to disrupt C1S protein function. In summary, the available evidence is currently insufficient to determine the role of this variant in disease. Therefore, it has been classified as a Variant of Uncertain Significance.

NM_001734.5(C1S):c.1223G>C (p.Ser408Thr)

Gene: C1S (complement C1s; plus strand). Cytogenetic location: 12p13.31.
Variant type: single nucleotide variant.
Coding change: c.1223G>C on transcript NM_001734.5 (MANE Select); coding-DNA position 1223, G replaced by C.
Protein change: p.Ser408Thr; replaces serine 408 with threonine.
Molecular consequence: missense variant.
Genome position (GRCh38, 1-based): chr12:7,068,483, G>C. VCF-style: chr12-7068483-G-C. GRCh37 (hg19) VCF-style: chr12-7175787-G-C.
Other names: c.722G>C, p.Ser241Thr (NM_001346850.2); c.1223G>C, p.Ser408Thr (NM_201442.4); short protein forms S241T, S408T.
Identifiers: ClinVar variation 2764652 (VCV002764652.3), dbSNP rs142773314, ClinGen allele CA383702151.
Genomic context (GRCh38, chr12:7,068,483, plus strand): 5'-TGAGTGTGGCCTGTGTTCTCTGTGCTATTCCAGGGGAGTATCACTGTGCTGGTAACGGGA[G>C]CTGGGTGAATGAGGTGCTGGGCCCGGAGCTGCCGAAATGTGTTCCAGGTAAGGAGGGCTG-3'
Protein context (NP_001725.1, residues 398-418): GGEYHCAGNG[Ser408Thr]WVNEVLGPEL